The following is an entry in ClinVar:

ClinVar aggregate classification (germline): Uncertain significance (1 of 4 stars; one submission).

Conditions:
Immunodeficiency 23 (IMD23). Also called: IMMUNODEFICIENCY WITH HYPER IgE AND COGNITIVE IMPAIRMENT; IMMUNODEFICIENCY-VASCULITIS-MYOCLONUS SYNDROME. Identifiers: Orphanet 443811, MedGen C4014371, MONDO:0014353, OMIM 615816.

gnomAD v4.1: 19 of 1,613,938 alleles (0.0012%); highest among the groups gnomAD compares: African/African-American, 0.004%; no homozygotes.

Submission:

Labcorp Genetics (formerly Invitae), Labcorp
Classification: Uncertain significance for Immunodeficiency 23. Last evaluated: 2022-09-12. Review status: criteria provided, single submitter. Criteria: Invitae Variant Classification Sherloc (09022015). Collection method: clinical testing. Allele origin: germline.
Comment: This sequence change replaces arginine, which is basic and polar, with histidine, which is basic and polar, at codon 69 of the PGM3 protein (p.Arg69His). This variant is present in population databases (rs780464371, gnomAD 0.003%). This variant has not been reported in the literature in individuals affected with PGM3-related conditions. Algorithms developed to predict the effect of missense changes on protein structure and function are either unavailable or do not agree on the potential impact of this missense change (SIFT: "Deleterious"; PolyPhen-2: "Probably Damaging"; Align-GVGD: "Class C0"). In summary, the available evidence is currently insufficient to determine the role of this variant in disease. Therefore, it has been classified as a Variant of Uncertain Significance.

NM_015599.3(PGM3):c.122G>A (p.Arg41His)

Gene: PGM3 (phosphoglucomutase 3; minus strand). Cytogenetic location: 6q14.1.
Variant type: single nucleotide variant.
Coding change: c.122G>A on transcript NM_015599.3 (MANE Select); coding-DNA position 122, G replaced by A.
Protein change: p.Arg41His; replaces arginine 41 with histidine.
Molecular consequence: missense variant. On other transcripts: non-coding transcript variant (1), intron variant (1).
Genome position (GRCh38, 1-based): chr6:83,190,891, C>T on the plus strand (G>A on the coding strand, the complement: PGM3 is on the minus strand). VCF-style: chr6-83190891-C-T. GRCh37 (hg19) VCF-style: chr6-83900610-C-T.
Other names: c.206G>A, p.Arg69His (NM_001199917.2, NM_001367287.1); c.122G>A, p.Arg41His (NM_001199919.2, NM_001367286.1); c.-39-2093G>A (NM_001199918.2); short protein forms R41H, R69H.
Identifiers: ClinVar variation 2420585 (VCV002420585.3), dbSNP rs780464371, ClinGen allele CA3906884.